The following is an entry in ClinVar:

ClinVar aggregate classification (germline): Uncertain significance (1 of 4 stars; one submission).

Conditions:
Bloom syndrome (BLM). Also called: Bloom-Torre-Machacek syndrome. Identifiers: Orphanet 125, MedGen C0005859, MONDO:0008876, OMIM 210900.

Submission:

Labcorp Genetics (formerly Invitae), Labcorp
Classification: Uncertain significance for Bloom syndrome. Last evaluated: 2024-04-10. Review status: criteria provided, single submitter. Criteria: Invitae Variant Classification Sherloc (09022015). Collection method: clinical testing. Allele origin: germline.
Comment: This sequence change replaces valine, which is neutral and non-polar, with leucine, which is neutral and non-polar, at codon 1187 of the BLM protein (p.Val1187Leu). This variant is not present in population databases (gnomAD no frequency). This variant has not been reported in the literature in individuals affected with BLM-related conditions. ClinVar contains an entry for this variant (Variation ID: 1389117). An algorithm developed to predict the effect of missense changes on protein structure and function (PolyPhen-2) suggests that this variant is likely to be disruptive. Algorithms developed to predict the effect of sequence changes on RNA splicing suggest that this variant may disrupt the consensus splice site. In summary, the available evidence is currently insufficient to determine the role of this variant in disease. Therefore, it has been classified as a Variant of Uncertain Significance.

NM_000057.4(BLM):c.3559G>C (p.Val1187Leu)

Gene: BLM (BLM RecQ like helicase; plus strand). Cytogenetic location: 15q26.1.
Variant type: single nucleotide variant.
Coding change: c.3559G>C on transcript NM_000057.4 (MANE Select); coding-DNA position 3559, G replaced by C.
Protein change: p.Val1187Leu; replaces valine 1187 with leucine.
Molecular consequence: missense variant. On other transcripts: intron variant (1).
Genome position (GRCh38, 1-based): chr15:90,804,167, G>C. VCF-style: chr15-90804167-G-C. GRCh37 (hg19) VCF-style: chr15-91347397-G-C.
Other names: c.3559G>C, p.Val1187Leu (NM_001287246.2); c.2434G>C, p.Val812Leu (NM_001287248.2); c.3359-4970G>C (NM_001287247.2); short protein forms V812L, V1187L.
Identifiers: ClinVar variation 1389117 (VCV001389117.6), dbSNP rs547814390, ClinGen allele CA393847873.